The following is an entry in ClinVar:

NM_031935.3(HMCN1):c.13858C>T (p.His4620Tyr)

Gene: HMCN1 (hemicentin 1; plus strand). Cytogenetic location: 1q31.1.
Variant type: single nucleotide variant.
Coding change: c.13858C>T on transcript NM_031935.3 (MANE Select); coding-DNA position 13858, C replaced by T.
Protein change: p.His4620Tyr; replaces histidine 4620 with tyrosine.
Molecular consequence: missense variant.
Genome position (GRCh38, 1-based): chr1:186,137,906, C>T. VCF-style: chr1-186137906-C-T. GRCh37 (hg19) VCF-style: chr1-186107038-C-T.
Other names: short protein forms H4620Y.
Identifiers: ClinVar variation 1926857 (VCV001926857.5), dbSNP rs770556720, ClinGen allele CA1294777.

ClinVar aggregate classification (germline): Uncertain significance (1 of 4 stars; one submission).

Allele frequency attached by ClinVar (database versions not stated): TOPMed below 0.00001; ExAC 0.00001; gnomAD exomes 0.00001.
gnomAD v4.1: 12 of 1,614,088 alleles (0.00074%); highest among the groups gnomAD compares: South Asian, 0.0011%; no homozygotes.

Submission:

Labcorp Genetics (formerly Invitae), Labcorp
Classification: Uncertain significance. Last evaluated: 2022-06-16. Review status: criteria provided, single submitter. Criteria: Invitae Variant Classification Sherloc (09022015). Collection method: clinical testing. Allele origin: germline.
Comment: In summary, the available evidence is currently insufficient to determine the role of this variant in disease. Therefore, it has been classified as a Variant of Uncertain Significance. Algorithms developed to predict the effect of missense changes on protein structure and function output the following: SIFT: "Tolerated"; PolyPhen-2: "Benign"; Align-GVGD: "Class C0". The tyrosine amino acid residue is found in multiple mammalian species, which suggests that this missense change does not adversely affect protein function. This variant has not been reported in the literature in individuals affected with HMCN1-related conditions. This variant is present in population databases (rs770556720, gnomAD 0.003%). This sequence change replaces histidine, which is basic and polar, with tyrosine, which is neutral and polar, at codon 4620 of the HMCN1 protein (p.His4620Tyr).